The following is an entry in ClinVar:

ClinVar aggregate classification (germline): Likely benign. Review status: criteria provided, multiple submitters, no conflicts (2 of 4 stars). 6 submissions from 6 submitters: Likely benign (6). Last evaluated 2025-12-09.

Conditions:
Cardiovascular phenotype. Identifiers: MedGen CN230736.
Dilated cardiomyopathy 1O (CMD1O). Also called: CARDIOMYOPATHY, DILATED, WITH VENTRICULAR TACHYCARDIA. Identifiers: Orphanet 154, MedGen C1837839, MONDO:0012062, OMIM 608569.

Allele frequency attached by ClinVar (database versions not stated): gnomAD 0.00003 and 0.00004; gnomAD exomes 0.00003 and 0.00006; ExAC 0.00005; ESP Exome Variant Server 0.00008; TOPMed 0.00009; 1000 Genomes Project 30x 0.00016; 1000 Genomes Project 0.00020.
gnomAD v4.1: 49 of 1,609,976 alleles (0.003%); highest among the groups gnomAD compares: Middle Eastern, 0.033%; no homozygotes.

Submissions (6):

Labcorp Genetics (formerly Invitae), Labcorp
Classification: Likely benign for Dilated cardiomyopathy 1O. Last evaluated: 2025-12-09. Review status: criteria provided, single submitter. Criteria: Invitae Variant Classification Sherloc (09022015). Collection method: clinical testing. Allele origin: germline.

CeGaT Center for Human Genetics Tuebingen
Classification: Likely benign. Last evaluated: 2023-12-01. Review status: criteria provided, single submitter. Criteria: CeGaT Center For Human Genetics Tuebingen Variant Classification Criteria Version 2. Collection method: clinical testing. Allele origin: germline. Affected: yes. Observed: 1 variant allele.
Comment: ABCC9: BP4, BP7

Blueprint Genetics
Classification: Likely benign. Last evaluated: 2022-01-28. Review status: criteria provided, single submitter. Criteria: ACMG Guidelines, 2015. Collection method: clinical testing. Allele origin: germline.

GeneDx
Classification: Likely benign. Last evaluated: 2020-06-15. Review status: criteria provided, single submitter. Criteria: GeneDx Variant Classification Process June 2021. Collection method: clinical testing. Allele origin: germline. Affected: yes.

Ambry Genetics
Classification: Likely benign for Cardiovascular phenotype. Last evaluated: 2020-02-04. Review status: criteria provided, single submitter. Criteria: Ambry Variant Classification Scheme 2023. Collection method: clinical testing. Allele origin: germline.

Laboratory for Molecular Medicine, Mass General Brigham Personalized Medicine
Classification: Likely benign. Last evaluated: 2015-06-25. Review status: criteria provided, single submitter. Criteria: LMM Criteria. Collection method: clinical testing. Allele origin: germline. Observed: 1 variant allele.
Comment: p.Ser404Ser in exon 8 of ABCC9: This variant is not expected to have clinical si gnificance because it does not alter an amino acid residue and is not located wi thin the splice consensus sequence. It has been identified in 3/11466 Latino chr omosomes by the Exome Aggregation Consortium (ExAC, rg).

NM_020297.4(ABCC9):c.1212C>T (p.Ser404=)

Gene: ABCC9 (ATP binding cassette subfamily C member 9; minus strand). Cytogenetic location: 12p12.1.
Variant type: single nucleotide variant.
Coding change: c.1212C>T on transcript NM_020297.4 (MANE Select); coding-DNA position 1212, C replaced by T.
Protein change: p.Ser404=; no amino-acid change (serine 404 retained).
Molecular consequence: synonymous variant.
Genome position (GRCh38, 1-based): chr12:21,910,265, G>A on the plus strand (C>T on the coding strand, the complement: ABCC9 is on the minus strand). VCF-style: chr12-21910265-G-A. GRCh37 (hg19) VCF-style: chr12-22063199-G-A.
Other names: c.1212C>T (NM_020297.2); c.1212C>T, p.Ser404= (NM_001377273.1, NM_005691.4); c.348C>T, p.Ser116= (NM_001377274.1).
Identifiers: ClinVar variation 227157 (VCV000227157.43), dbSNP rs376726505, ClinGen allele CA6481701.
Genomic context (GRCh38, chr12:21,910,265, plus strand): 5'-GAGTTGATTAGTTTCAATGGCGACTAAGTTGTTGATCTGCCCCAGAGTCATCTCCCCCAT[G>A]GATAAGTTAGACGTAGAGAGCCTAAGGATTTTATTATAAATCATGGCCTACCAAAAAAAA-3'
Protein context (NP_064693.2, residues 394-414): KILRLSTSNL[Ser404=]MGEMTLGQIN